The following is an entry in ClinVar:

ClinVar aggregate classification (germline): Benign/Likely benign. Review status: criteria provided, multiple submitters, no conflicts (2 of 4 stars). 7 submissions from 7 submitters: Benign (5); Likely benign (1). 1 of the submissions does not count toward it. Last evaluated 2026-02-03.

Conditions:
Collagen 6-related myopathy. Identifiers: MedGen CN117976, MONDO:0100225.
Bethlem myopathy 1A. Also called: Bethlem Muscular Dystrophy; MYOPATHY, BENIGN CONGENITAL, WITH CONTRACTURES; Bethlem myopathy 1. Identifiers: Orphanet 610, MedGen CN029274, MONDO:0024530, OMIM 158810.
COL6A1-related disorder. Also called: COL6A1-related condition.

Allele frequency attached by ClinVar (database versions not stated): gnomAD exomes 0.00057 and 0.00159; ExAC 0.00417; gnomAD 0.00662 and 0.00714; TOPMed 0.00706; 1000 Genomes Project 30x 0.00750; 1000 Genomes Project 0.00759; ESP Exome Variant Server 0.00763.
gnomAD v4.1: 1,824 of 1,553,530 alleles (0.12%); highest among the groups gnomAD compares: African/African-American, 2.2%; 18 homozygotes.

Submissions (7):

Labcorp Genetics (formerly Invitae), Labcorp
Classification: Benign for Bethlem myopathy 1A. Last evaluated: 2026-02-03. Review status: criteria provided, single submitter. Criteria: Invitae Variant Classification Sherloc (09022015). Collection method: clinical testing. Allele origin: germline.

Blueprint Genetics
Classification: Likely benign. Last evaluated: 2024-08-20. Review status: criteria provided, single submitter. Criteria: ACMG Guidelines, 2015. Collection method: clinical testing. Allele origin: germline.

Mayo Clinic Laboratories, Mayo Clinic
Classification: Benign. Last evaluated: 2022-10-20. Review status: criteria provided, single submitter. Criteria: ACMG Guidelines, 2015. Collection method: clinical testing. Allele origin: germline. Observed: 6 variant alleles.
Comment: BS1, BS2, BP4

Illumina Laboratory Services, Illumina
Classification: Benign for Collagen VI-related myopathy. Last evaluated: 2018-01-12. Review status: criteria provided, single submitter. Criteria: ICSL Variant Classification Criteria 13 December 2019. Collection method: clinical testing. Allele origin: germline.
Comment: This variant was observed in the ICSL laboratory as part of a predisposition screen in an ostensibly healthy population. It had not been previously curated by ICSL or reported in the Human Gene Mutation Database (HGMD: prior to June 1st, 2018), and was therefore a candidate for classification through an automated scoring system. Utilizing variant allele frequency, disease prevalence and penetrance estimates, and inheritance mode, an automated score was calculated to assess if this variant is too frequent to cause the disease. Based on the score and internal cut-off values, a variant classified as benign is not then subjected to further curation. The score for this variant resulted in a classification of benign for this disease.

GeneDx
Classification: Benign. Last evaluated: 2016-10-17. Review status: criteria provided, single submitter. Criteria: GeneDx Variant Classification (06012015). Collection method: clinical testing. Allele origin: germline. Affected: yes.
Comment: This variant is considered likely benign or benign based on one or more of the following criteria: it is a conservative change, it occurs at a poorly conserved position in the protein, it is predicted to be benign by multiple in silico algorithms, and/or has population frequency not consistent with disease.

Eurofins Ntd Llc (ga)
Classification: Benign. Last evaluated: 2012-09-05. Review status: criteria provided, single submitter. Criteria: EGL Classification Definitions 2015. Collection method: clinical testing. Allele origin: germline. Observed: 3 variant alleles, 3 heterozygotes.

PreventionGenetics, part of Exact Sciences
Classification: Benign for COL6A1-related condition. Last evaluated: 2022-12-08. Review status: no assertion criteria provided. Collection method: clinical testing. Allele origin: germline. Not counted in ClinVar's aggregate classification.
Comment: This variant is classified as benign based on ACMG/AMP sequence variant interpretation guidelines (Richards et al. 2015 PMID: 25741868, with internal and published modifications).

NM_001848.3(COL6A1):c.1612-10G>A

Gene: COL6A1 (collagen type VI alpha 1 chain; plus strand). Cytogenetic location: 21q22.3.
Variant type: single nucleotide variant.
Coding change: c.1612-10G>A on transcript NM_001848.3 (MANE Select); 10 bases into the intron before coding-DNA position 1612, G replaced by A.
Molecular consequence: intron variant.
Genome position (GRCh38, 1-based): chr21:45,998,887, G>A. VCF-style: chr21-45998887-G-A. GRCh37 (hg19) VCF-style: chr21-47418801-G-A.
Other names: p.?.
Identifiers: ClinVar variation 93823 (VCV000093823.24), dbSNP rs141892165, ClinGen allele CA147336.